The following is an entry in ClinVar:

GRCh37/hg19 Xq25(chrX:122900419-123323986)x2

Genes: STAG2 (STAG2 cohesin complex component; plus strand), XIAP (X-linked inhibitor of apoptosis; plus strand). Cytogenetic location: Xq25.
Variant type: copy number gain.
Change: copy number 2 of chrX:122,900,419-123,323,986 (423.6 kb, GRCh37 coordinates, 1-based), cytogenetic band Xq25.
Identifiers: ClinVar variation 816384 (VCV000816384.1).

ClinVar aggregate classification (germline): Pathogenic (1 of 4 stars; one submission).

Submission:

Quest Diagnostics Nichols Institute San Juan Capistrano
Classification: Pathogenic. Last evaluated: 2023-10-05. Review status: criteria provided, single submitter. Criteria: ACMG/ClinGen CNV Guidelines, 2019. Collection method: clinical testing. Allele origin: unknown.
Comment: This copy number gain of Xq25, including genes XIAP (OMIM 300079) and STAG2 (OMIM 300826), overlaps the smallest region of overlap proposed for the triplosensitive Xq25 duplication syndrome (OMIM 300979; ISCA-46743; Kumar R et al. Hum Mol Genet. 2015 Dec 20;24(25):7171-8: PMID: 26443594; Di Benedetto et al. Am J Med Genet A. 2014 Aug;164A(8):1923-30. PMID: 24733578; Leroy et al. Clin Genet. 2016 Jan;89(1):68-73. PMID: 25677961; Yingjun et al. Eur J Med Genet. 2015 Feb;58(2):116-21. PMID: 25450604). Thus, this CNV is classified as pathogenic.